The following is an entry in ClinVar:

ClinVar aggregate classification (germline): Uncertain significance. Review status: criteria provided, multiple submitters, no conflicts (2 of 4 stars). 3 submissions from 3 submitters: Uncertain significance (3). Last evaluated 2024-01-04.

Allele frequency attached by ClinVar (database versions not stated): TOPMed 0.00002.

Submissions (3):

Ambry Genetics
Classification: Uncertain significance. Last evaluated: 2024-01-04. Review status: criteria provided, single submitter. Criteria: Ambry Variant Classification Scheme 2023. Collection method: clinical testing. Allele origin: germline.

Labcorp Genetics (formerly Invitae), Labcorp
Classification: Uncertain significance. Last evaluated: 2021-04-29. Review status: criteria provided, single submitter. Criteria: Invitae Variant Classification Sherloc (09022015). Collection method: clinical testing. Allele origin: germline.
Comment: This sequence change replaces leucine with isoleucine at codon 572 of the SLC7A14 protein (p.Leu572Ile). The leucine residue is moderately conserved and there is a small physicochemical difference between leucine and isoleucine. In summary, the available evidence is currently insufficient to determine the role of this variant in disease. Therefore, it has been classified as a Variant of Uncertain Significance. Algorithms developed to predict the effect of missense changes on protein structure and function are either unavailable or do not agree on the potential impact of this missense change (SIFT: "Tolerated"; PolyPhen-2: "Possibly Damaging"; Align-GVGD: "Class C0"). This variant has not been reported in the literature in individuals with SLC7A14-related conditions. This variant is not present in population databases (ExAC no frequency).

Blueprint Genetics
Classification: Uncertain significance. Last evaluated: 2020-02-24. Review status: criteria provided, single submitter. Criteria: ACMG Guidelines, 2015. Collection method: clinical testing. Allele origin: germline.

NM_020949.3(SLC7A14):c.1714C>A (p.Leu572Ile)

Genes: SLC7A14 (solute carrier family 7 member 14; minus strand), SLC7A14-AS1 (SLC7A14 antisense RNA 1; plus strand). Cytogenetic location: 3q26.2.
Variant type: single nucleotide variant.
Coding change: c.1714C>A on transcript NM_020949.3 (MANE Select); coding-DNA position 1714, C replaced by A.
Protein change: p.Leu572Ile; replaces leucine 572 with isoleucine.
Molecular consequence: missense variant.
Genome position (GRCh38, 1-based): chr3:170,480,568, G>T on the plus strand (C>A on the coding strand, the complement: SLC7A14 is on the minus strand). VCF-style: chr3-170480568-G-T. GRCh37 (hg19) VCF-style: chr3-170198357-G-T.
Other names: short protein forms L572I.
Identifiers: ClinVar variation 850018 (VCV000850018.11), dbSNP rs777440997, ClinGen allele CA87709832.
Genomic context (GRCh38, chr3:170,480,568, plus strand): 5'-CTGAGATGTAGTCAGAACCAAAGATGATGAAGGAGCAGAAGATGAACATGAGGATGAAGA[G>T]CAGGAGCACGCAGATGGTCACCGTGTGCCCCGTCGCTGCTGTGGGCCGGTCCATTTTGCC-3'
Protein context (NP_066000.2, residues 562-582): GHTVTICVLL[Leu572Ile]FILMFIFCSF